The following is an entry in ClinVar:

GRCh37/hg19 7p15.2-14.3(chr7:27133786-34466477)x1

Genes: ADCYAP1R1 (ADCYAP receptor type I; plus strand), AQP1 (aquaporin 1 (Colton blood group); plus strand), AVL9 (AVL9 cell migration associated; plus strand), BBS9 (Bardet-Biedl syndrome 9; plus strand), BMPER (BMP binding endothelial regulator; plus strand) and 47 more. Cytogenetic location: 7p15.2-14.3.
Variant type: copy number loss.
Change: copy number 1 (one copy instead of two) of chr7:27,133,786-34,466,477 (7.33 Mb, GRCh37 coordinates, 1-based), cytogenetic band 7p15.2-14.3.
Identifiers: ClinVar variation 1809379 (VCV001809379.1).

ClinVar aggregate classification (germline): Pathogenic (1 of 4 stars; one submission).

Submission:

Quest Diagnostics Nichols Institute San Juan Capistrano
Classification: Pathogenic. Last evaluated: 2021-10-27. Review status: criteria provided, single submitter. Criteria: ACMG/ClinGen CNV Guidelines, 2019. Collection method: clinical testing. Allele origin: unknown.
Comment: This deletion interval involves numerous genes, including the HOXA gene cluster. Among the HOXA genes, heterozygous pathogenic sequence variants and deletions of HOXA13 (OMIM 142959) are associated with autosomal dominant Hand-Foot-Genital syndrome (OMIM 140000) (Tas et al., Am J Med Genet A. 2017 Jan;173(1):221-224., PMID: 27649277; Goodman et al. Am J Hum Genet. 2000 Jul;67(1):197-202. PMID: 10839976). The features of this syndrome include limb malformations and variable urogenital defects based on patient sex (Innis et al., GeneReviews. 1993-2018. , PMID:20301596). In addition, overlapping microdeletions involving the 7p15-p14 segment, involving the HOXA gene cluster and other genes, have been reported and these patients typically have additional features such as neurodevelopmental delay or intellectual disability (Yokoyama et al., Mol Cytogenet. 2017 Nov 15;10:42., PMID: 29177010; Pezzani et al., Ital J Pediatr. 2015 Apr 10;41:31., PMID: 25881986; Jun et al., Am J Med Genet A. 2011 Mar;155A(3):642-7., PMID: 21344639).